The following is an entry in ClinVar:

NM_001375567.1(FOCAD):c.3569C>G (p.Thr1190Arg)

Gene: FOCAD (focadhesin; plus strand). Cytogenetic location: 9p21.3.
Variant type: single nucleotide variant.
Coding change: c.3569C>G on transcript NM_001375567.1 (MANE Select); coding-DNA position 3569, C replaced by G.
Protein change: p.Thr1190Arg; replaces threonine 1190 with arginine.
Molecular consequence: missense variant.
Genome position (GRCh38, 1-based): chr9:20,946,714, C>G. VCF-style: chr9-20946714-C-G. GRCh37 (hg19) VCF-style: chr9-20946713-C-G.
Other names: c.3464C>G, p.Thr1155Arg (NM_001375568.1, NM_001375570.1); c.3569C>G, p.Thr1190Arg (NM_017794.5); short protein forms T1155R, T1190R.
Identifiers: ClinVar variation 3602266 (VCV003602266.1).

ClinVar aggregate classification (germline): Uncertain significance (1 of 4 stars; one submission).

gnomAD v4.1: 1 of 1,613,148 alleles (0.000062%); highest among the groups gnomAD compares: Non-Finnish European, 0.000085%; no homozygotes.

Submission:

GeneDx
Classification: Uncertain significance. Last evaluated: 2023-12-30. Review status: criteria provided, single submitter. Criteria: GeneDx Variant Classification Process June 2021. Collection method: clinical testing. Allele origin: germline. Affected: yes.
Comment: Not observed at significant frequency in large population cohorts (gnomAD); In silico analysis supports that this missense variant does not alter protein structure/function; Has not been previously published as pathogenic or benign to our knowledge; Variants in candidate genes are classified as variants of uncertain significance in accordance with ACMG guidelines (PMID: 25741868)